The following is an entry in ClinVar:

NM_020822.3(KCNT1):c.3442G>A (p.Glu1148Lys)

Gene: KCNT1 (potassium sodium-activated channel subfamily T member 1; plus strand). Cytogenetic location: 9q34.3.
Variant type: single nucleotide variant.
Coding change: c.3442G>A on transcript NM_020822.3 (MANE Select); coding-DNA position 3442, G replaced by A.
Protein change: p.Glu1148Lys; replaces glutamic acid 1148 with lysine.
Molecular consequence: missense variant.
Genome position (GRCh38, 1-based): chr9:135,786,461, G>A. VCF-style: chr9-135786461-G-A. GRCh37 (hg19) VCF-style: chr9-138678307-G-A.
Other names: c.3307G>A, p.Glu1103Lys (NM_001272003.2); short protein forms E1103K, E1148K.
Identifiers: ClinVar variation 2499111 (VCV002499111.28), dbSNP rs2491108282, ClinGen allele CA375492216.

ClinVar aggregate classification (germline): Uncertain significance (1 of 4 stars; one submission).

Submission:

CeGaT Center for Human Genetics Tuebingen
Classification: Uncertain significance. Last evaluated: 2023-02-01. Review status: criteria provided, single submitter. Criteria: CeGaT Center For Human Genetics Tuebingen Variant Classification Criteria Version 2. Collection method: clinical testing. Allele origin: germline. Affected: yes. Observed: 1 variant allele.
Comment: KCNT1: PM2